The following is an entry in ClinVar:

NM_198253.3(TERT):c.3193C>G (p.Leu1065Val)

Gene: TERT (telomerase reverse transcriptase; minus strand). Cytogenetic location: 5p15.33.
Variant type: single nucleotide variant.
Coding change: c.3193C>G on transcript NM_198253.3 (MANE Select); coding-DNA position 3193, C replaced by G.
Protein change: p.Leu1065Val; replaces leucine 1065 with valine.
Molecular consequence: missense variant. On other transcripts: non-coding transcript variant (2).
Genome position (GRCh38, 1-based): chr5:1,254,470, G>C on the plus strand (C>G on the coding strand, the complement: TERT is on the minus strand). VCF-style: chr5-1254470-G-C. GRCh37 (hg19) VCF-style: chr5-1254585-G-C.
Other names: c.3004C>G, p.Leu1002Val (NM_001193376.3); short protein forms L1065V, L1002V.
Identifiers: ClinVar variation 1404523 (VCV001404523.10), dbSNP rs1747571212, ClinGen allele CA359067462.
Genomic context (GRCh38, chr5:1,254,470, plus strand): 5'-GTCGAGTCAGCTTGAGCAGGAATGCTTGGTGGCACAGCCACTGCACGGCCTCGGAGGGCA[G>C]AGGGCCGGCGGCGCCCTTGGCCCCCAGCGACATCCCTGGGGGAAAACAGAGGCTGAGGAG-3'
Protein context (NP_937983.2, residues 1055-1075): SLGAKGAAGP[Leu1065Val]PSEAVQWLCH

ClinVar aggregate classification (germline): Uncertain significance. Review status: criteria provided, multiple submitters, no conflicts (2 of 4 stars). 2 submissions from 2 submitters: Uncertain significance (2). Last evaluated 2023-01-06.

Conditions:
Idiopathic Pulmonary Fibrosis. Also called: Idiopathic fibrosing alveolitis, chronic form; idiopathic fibrosing alveolitis. Identifiers: Orphanet 2032, MedGen C1800706, MeSH D054990, MONDO:0800504.
Dyskeratosis congenita, autosomal dominant 2. Identifiers: MedGen C3151443, MONDO:0013521, OMIM 613989.
Dyskeratosis congenita. Identifiers: Orphanet 1775, MedGen C0265965, MONDO:0015780.

gnomAD v4.1: 1 of 1,612,874 alleles (0.000062%); highest among the groups gnomAD compares: Non-Finnish European, 0.000085%; no homozygotes.

Submissions (2):

Labcorp Genetics (formerly Invitae), Labcorp
Classification: Uncertain significance for Dyskeratosis congenita, autosomal dominant 2; Idiopathic Pulmonary Fibrosis. Last evaluated: 2023-01-06. Review status: criteria provided, single submitter. Criteria: Invitae Variant Classification Sherloc (09022015). Collection method: clinical testing. Allele origin: germline.
Comment: In summary, the available evidence is currently insufficient to determine the role of this variant in disease. Therefore, it has been classified as a Variant of Uncertain Significance. Algorithms developed to predict the effect of missense changes on protein structure and function (SIFT, PolyPhen-2, Align-GVGD) all suggest that this variant is likely to be tolerated. ClinVar contains an entry for this variant (Variation ID: 1404523). This variant has not been reported in the literature in individuals affected with TERT-related conditions. This variant is not present in population databases (gnomAD no frequency). This sequence change replaces leucine, which is neutral and non-polar, with valine, which is neutral and non-polar, at codon 1065 of the TERT protein (p.Leu1065Val).

Ambry Genetics
Classification: Uncertain significance for Dyskeratosis congenita. Last evaluated: 2022-01-05. Review status: criteria provided, single submitter. Criteria: Ambry Variant Classification Scheme 2023. Collection method: clinical testing. Allele origin: germline.
Comment: The p.L1065V variant (also known as c.3193C>G), located in coding exon 15 of the TERT gene, results from a C to G substitution at nucleotide position 3193. The leucine at codon 1065 is replaced by valine, an amino acid with highly similar properties. This amino acid position is conserved. In addition, this alteration is predicted to be tolerated by in silico analysis. Since supporting evidence is limited at this time, the clinical significance of this alteration remains unclear.